The following is an entry in ClinVar:

NM_020631.6(PLEKHG5):c.1345A>G (p.Met449Val)

Gene: PLEKHG5 (pleckstrin homology and RhoGEF domain containing G5; minus strand). Cytogenetic location: 1p36.31.
Variant type: single nucleotide variant.
Coding change: c.1345A>G on transcript NM_020631.6 (MANE Select); coding-DNA position 1345, A replaced by G.
Protein change: p.Met449Val; replaces methionine 449 with valine.
Molecular consequence: missense variant.
Genome position (GRCh38, 1-based): chr1:6,471,037, T>C on the plus strand (A>G on the coding strand, the complement: PLEKHG5 is on the minus strand). VCF-style: chr1-6471037-T-C. GRCh37 (hg19) VCF-style: chr1-6531097-T-C.
Other names: c.1456A>G, p.Met486Val (NM_001042663.3, NM_001265592.2); c.1345A>G, p.Met449Val (NM_001042664.2, NM_001042665.2, NM_001265594.3 and 1 more transcripts); c.1552A>G, p.Met518Val (NM_001265593.2); short protein forms M449V, M518V, M486V.
Identifiers: ClinVar variation 862522 (VCV000862522.9), dbSNP rs767686554, ClinGen allele CA561554.
Genomic context (GRCh38, chr1:6,471,037, plus strand): 5'-CGCGCGCCCTCACCGTGATGTAGGCCCGGAAGAGGTCGTTGTCGCGCAGCAGGCCGCGCA[T>C]GTACTCCATGCAGCCCTCCTCCTCCATGCAGTAGCGGATGTAGGGCTTGAAGAGCGAGCC-3'
Protein context (NP_065682.2, residues 439-459): CMEEEGCMEY[Met449Val]RGLLRDNDLF

ClinVar aggregate classification (germline): Uncertain significance. Review status: criteria provided, multiple submitters, no conflicts (2 of 4 stars). 2 submissions from 2 submitters: Uncertain significance (2). Last evaluated 2026-06-18.

Conditions:
Neuronopathy, distal hereditary motor, autosomal recessive 4. Also called: Autosomal recessive lower motor neuron disease with childhood onset; NEUROPATHY, DISTAL HEREDITARY MOTOR, AUTOSOMAL RECESSIVE 4. Identifiers: Orphanet 206580, MedGen C1970211, MONDO:0012608, OMIM 611067.
Charcot-Marie-Tooth disease recessive intermediate C. Also called: CHARCOT-MARIE-TOOTH NEUROPATHY, RECESSIVE INTERMEDIATE C. Identifiers: Orphanet 369867, MedGen C3809309, MONDO:0014154, OMIM 615376.

Allele frequency attached by ClinVar (database versions not stated): TOPMed 0.00001; gnomAD exomes 0.00003; ExAC 0.00007.
gnomAD v4.1: 15 of 1,606,062 alleles (0.00093%); highest among the groups gnomAD compares: Middle Eastern, 0.017%; no homozygotes.

Submissions (3):

Women's Health and Genetics/Laboratory Corporation of America, LabCorp
Classification: Uncertain significance. Last evaluated: 2026-06-18. Review status: criteria provided, single submitter. Criteria: LabCorp Variant Classification Summary - May 2015. Collection method: clinical testing. Allele origin: germline.
Comment: Variant summary: PLEKHG5 c.1345A>G (p.Met449Val) results in a conservative amino acid change in the encoded protein sequence. Algorithms developed to predict the effect of missense changes on protein structure and function are either unavailable or do not agree on the potential impact of this missense change. The variant allele was found at a frequency of 3e-05 in 235740 control chromosomes. The available data on variant occurrences in the general population are insufficient to allow any conclusion about variant significance. To our knowledge, no occurrence of c.1345A>G in individuals affected with PLEKHG5-related conditions and no experimental evidence demonstrating its impact on protein function have been reported. ClinVar contains an entry for this variant (Variation ID: 862522). Based on the evidence outlined above, the variant was classified as uncertain significance.

Labcorp Genetics (formerly Invitae), Labcorp
Classification: Uncertain significance for Neuronopathy, distal hereditary motor, autosomal recessive 4; Charcot-Marie-Tooth disease recessive intermediate C. Last evaluated: 2025-04-10. Review status: criteria provided, single submitter. Criteria: Invitae Variant Classification Sherloc (09022015). Collection method: clinical testing. Allele origin: germline.
Comment: This sequence change replaces methionine, which is neutral and non-polar, with valine, which is neutral and non-polar, at codon 449 of the PLEKHG5 protein (p.Met449Val). This variant is present in population databases (rs767686554, gnomAD 0.02%). This variant has not been reported in the literature in individuals affected with PLEKHG5-related conditions. ClinVar contains an entry for this variant (Variation ID: 862522). An algorithm developed to predict the effect of missense changes on protein structure and function (PolyPhen-2) suggests that this variant is likely to be tolerated. In summary, the available evidence is currently insufficient to determine the role of this variant in disease. Therefore, it has been classified as a Variant of Uncertain Significance.

Dr. Peter K. Rogan Lab, Western University
No classification provided (evidence only). Condition: Familial cancer of breast. Review status: no classification provided. Collection method: in vitro. Allele origin: not applicable. Functional consequence: retained intron. Not counted in ClinVar's aggregate classification.